The following is an entry in ClinVar:

NM_006939.4(SOS2):c.2148T>G (p.Ile716Met)

Gene: SOS2 (SOS Ras/Rho guanine nucleotide exchange factor 2; minus strand). Cytogenetic location: 14q21.3.
Variant type: single nucleotide variant.
Coding change: c.2148T>G on transcript NM_006939.4 (MANE Select); coding-DNA position 2148, T replaced by G.
Protein change: p.Ile716Met; replaces isoleucine 716 with methionine.
Molecular consequence: missense variant.
Genome position (GRCh38, 1-based): chr14:50,153,083, A>C on the plus strand (T>G on the coding strand, the complement: SOS2 is on the minus strand). VCF-style: chr14-50153083-A-C. GRCh37 (hg19) VCF-style: chr14-50619801-A-C.
Other names: c.2049T>G, p.Ile683Met (NM_001411020.1); short protein forms I716M, I683M.
Identifiers: ClinVar variation 2797115 (VCV002797115.3), dbSNP rs2502955468, ClinGen allele CA389644111.

ClinVar aggregate classification (germline): Uncertain significance (1 of 4 stars; one submission).

Conditions:
Noonan syndrome 9 (NS9). Identifiers: Orphanet 648, MedGen C4225282, MONDO:0014691, OMIM 616559.

Allele frequency attached by ClinVar (database versions not stated): gnomAD exomes below 0.00001.
gnomAD v4.1: 1 of 1,559,086 alleles (0.000064%); highest among the groups gnomAD compares: Non-Finnish European, 0.000088%; no homozygotes.

Submission:

Labcorp Genetics (formerly Invitae), Labcorp
Classification: Uncertain significance for Noonan syndrome 9. Last evaluated: 2023-10-10. Review status: criteria provided, single submitter. Criteria: Invitae Variant Classification Sherloc (09022015). Collection method: clinical testing. Allele origin: germline.
Comment: This sequence change replaces isoleucine, which is neutral and non-polar, with methionine, which is neutral and non-polar, at codon 716 of the SOS2 protein (p.Ile716Met). This variant is not present in population databases (gnomAD no frequency). This variant has not been reported in the literature in individuals affected with SOS2-related conditions. Advanced modeling of protein sequence and biophysical properties (such as structural, functional, and spatial information, amino acid conservation, physicochemical variation, residue mobility, and thermodynamic stability) performed at Invitae indicates that this missense variant is not expected to disrupt SOS2 protein function. In summary, the available evidence is currently insufficient to determine the role of this variant in disease. Therefore, it has been classified as a Variant of Uncertain Significance.